The following is an entry in ClinVar:

NM_022455.5(NSD1):c.888T>C (p.Pro296=)

Gene: NSD1 (nuclear receptor binding SET domain protein 1; plus strand). Cytogenetic location: 5q35.3.
Variant type: single nucleotide variant.
Coding change: c.888T>C on transcript NM_022455.5 (MANE Select); coding-DNA position 888, T replaced by C.
Protein change: p.Pro296=; no amino-acid change (proline 296 retained).
Molecular consequence: synonymous variant.
Genome position (GRCh38, 1-based): chr5:177,135,991, T>C. VCF-style: chr5-177135991-T-C. GRCh37 (hg19) VCF-style: chr5-176562992-T-C.
Other names: c.15T>C, p.Pro5= (NM_001365684.2, NM_001409305.1, NM_001409306.1 and 4 more transcripts); c.888T>C, p.Pro296= (NM_001409301.1, NM_001409302.1, NM_001409303.1); c.468T>C, p.Pro156= (NM_001409304.1).
Identifiers: ClinVar variation 3713244 (VCV003713244.3).
Genomic context (GRCh38, chr5:177,135,991, plus strand): 5'-ATCTTTTCAGGATGATCCAGATTCCAGTACCAGTACATTAGGAAACATGCTAGAATTACC[T>C]GGAACTTCATCATCATCTACTTCACAGGAATTGCCATTTGTAAGCAGTTTTTGGTACAAC-3'
Protein context (NP_071900.2, residues 286-306): TSTLGNMLEL[Pro296=]GTSSSSTSQE

ClinVar aggregate classification (germline): Likely benign. Review status: criteria provided, multiple submitters, no conflicts (2 of 4 stars). 2 submissions from 2 submitters: Likely benign (2). Last evaluated 2025-08-15.

Conditions:
NSD1-related disorder. Also called: NSD1-related condition.

gnomAD v4.1: 23 of 1,614,146 alleles (0.0014%); highest among the groups gnomAD compares: South Asian, 0.023%; no homozygotes.

Submissions (2):

Labcorp Genetics (formerly Invitae), Labcorp
Classification: Likely benign. Last evaluated: 2025-08-15. Review status: criteria provided, single submitter. Criteria: Invitae Variant Classification Sherloc (09022015). Collection method: clinical testing. Allele origin: germline.

PreventionGenetics, part of Exact Sciences
Classification: Likely benign for NSD1-related condition. Last evaluated: 2025-06-03. Review status: criteria provided, single submitter. Criteria: ACMG Guidelines, 2015. Collection method: clinical testing. Allele origin: germline.
Comment: This variant is classified as likely benign based on ACMG/AMP sequence variant interpretation guidelines (Richards et al. 2015 PMID: 25741868, with internal and published modifications).